The following is an entry in ClinVar:

ClinVar aggregate classification (germline): Pathogenic (1 of 4 stars; one submission).

Submission:

GeneDx
Classification: Pathogenic. Last evaluated: 2018-02-22. Review status: criteria provided, single submitter. Criteria: GeneDx Variant Classification (06012015). Collection method: clinical testing. Allele origin: germline. Affected: yes.
Comment: The c.5606_5607dupTC variant in the USP9X gene has not been reported previously as a pathogenic variant nor as a benign variant, to our knowledge. The c.5606_5607dupTC variant causes a frameshift starting with codon Valine 1870, changes this amino acid to a Serine residue, and creates a premature Stop codon at position 37 of the new reading frame, denoted p.Val1870SerfsX37. This variant is predicted to cause loss of normal protein function either through protein truncation or nonsense-mediated mRNA decay. The c.5606_5607dupTC variant is not observed in large population cohorts (Lek et al., 2016). We interpret c.5606_5607dupTC as a pathogenic variant.

NM_001039591.3(USP9X):c.5606_5607dup (p.Val1870fs)

Gene: USP9X (ubiquitin specific peptidase 9 X-linked; plus strand). Cytogenetic location: Xp11.4.
Variant type: Duplication.
Coding change: c.5606_5607dup on transcript NM_001039591.3 (MANE Select); coding-DNA positions 5606 to 5607, 2 bases duplicated (TC; older notation c.5606_5607dupTC).
Protein change: p.Val1870fs; shifts the reading frame from valine 1870.
Molecular consequence: frameshift variant.
Genome position (GRCh38, 1-based): chrX:41,216,173-41,216,174, TC duplicated; duplicating any 2 consecutive bases within chrX:41,216,172-41,216,174 gives the same sequence; the c. name uses the placement nearest the transcript's 3' end. VCF-style (leftmost placement, unchanged base first): chrX-41216171-G-GCT. GRCh37 (hg19) VCF-style: chrX-41075424-G-GCT.
Other names: c.5606_5607dupTC (NM_001039590.2); c.5606_5607dup, p.Val1870fs (NM_001039590.3); short protein forms V1870fs.
Identifiers: ClinVar variation 504340 (VCV000504340.1), dbSNP rs1555933972, ClinGen allele CA658799720.
Genomic context (GRCh38, chrX:41,216,171, plus strand): 5'-ACAGAGTGAGCAGTCTGAAAGTGAGACAGCAGGAAGCACAAAATACAGACTTGTGGGTGT[G>GCT]CTCGTACACAGTGGTCAAGCGAGTGGGGGGCATTATTATTCTTACATCATCCAAAGGAAT-3'